The following is an entry in ClinVar:

ClinVar aggregate classification (germline): Uncertain significance (1 of 4 stars; one submission).

Submission:

GeneDx
Classification: Uncertain significance. Last evaluated: 2023-05-15. Review status: criteria provided, single submitter. Criteria: GeneDx Variant Classification Process June 2021. Collection method: clinical testing. Allele origin: germline. Affected: yes.
Comment: Not observed at significant frequency in large population cohorts (gnomAD); In silico analysis supports that this missense variant does not alter protein structure/function; Has not been previously published as pathogenic or benign to our knowledge

NM_001606.5(ABCA2):c.5571C>G (p.Ile1857Met)

Gene: ABCA2 (ATP binding cassette subfamily A member 2; minus strand). Cytogenetic location: 9q34.3.
Variant type: single nucleotide variant.
Coding change: c.5571C>G on transcript NM_001606.5 (MANE Select); coding-DNA position 5571, C replaced by G.
Protein change: p.Ile1857Met; replaces isoleucine 1857 with methionine.
Molecular consequence: missense variant.
Genome position (GRCh38, 1-based): chr9:137,011,714, G>C on the plus strand (C>G on the coding strand, the complement: ABCA2 is on the minus strand). VCF-style: chr9-137011714-G-C. GRCh37 (hg19) VCF-style: chr9-139906166-G-C.
Other names: c.5568C>G, p.Ile1856Met (NM_001411042.1); c.5661C>G, p.Ile1887Met (NM_212533.3); short protein forms I1856M, I1857M, I1887M.
Identifiers: ClinVar variation 3343425 (VCV003343425.1).